The following is an entry in ClinVar:

ClinVar aggregate classification (germline): Likely benign (0 of 4 stars; one submission).

Conditions:
SNAP25-related disorder.

gnomAD v4.1: 21 of 1,585,504 alleles (0.0013%); highest among the groups gnomAD compares: Non-Finnish European, 0.0015%; no homozygotes.

Submission:

PreventionGenetics, part of Exact Sciences
Classification: Likely benign for SNAP25-related condition. Last evaluated: 2024-06-27. Review status: no assertion criteria provided. Collection method: clinical testing. Allele origin: germline.
Comment: This variant is classified as likely benign based on ACMG/AMP sequence variant interpretation guidelines (Richards et al. 2015 PMID: 25741868, with internal and published modifications).

NM_130811.4(SNAP25):c.72+10G>A

Gene: SNAP25 (synaptosome associated protein 25; plus strand). Cytogenetic location: 20p12.2.
Variant type: single nucleotide variant.
Coding change: c.72+10G>A on transcript NM_130811.4 (MANE Select); 10 bases into the intron after coding-DNA position 72, G replaced by A.
Molecular consequence: intron variant.
Genome position (GRCh38, 1-based): chr20:10,275,573, G>A. VCF-style: chr20-10275573-G-A. GRCh37 (hg19) VCF-style: chr20-10256221-G-A.
Other names: c.72+10G>A (NM_001424416.1, NM_001322907.2, NM_001322910.2 and 9 more transcripts).
Identifiers: ClinVar variation 3351067 (VCV003351067.1).